The following is an entry in ClinVar:

ClinVar aggregate classification (germline): Uncertain significance (1 of 4 stars; one submission).

Submission:

GeneDx
Classification: Uncertain significance. Last evaluated: 2017-07-17. Review status: criteria provided, single submitter. Criteria: GeneDx Variant Classification (06012015). Collection method: clinical testing. Allele origin: germline. Affected: yes.
Comment: The D366N variant in the SMARCE1 gene has not been reported previously as a pathogenic variant, nor as a benign variant, to our knowledge. The D366N variant is not observed in large population cohorts (Lek et al., 2016; 1000 Genomes Consortium et al., 2015; Exome Variant Server). The D366N variant is a semi-conservative amino acid substitution, which may impact secondary protein structure as these residues differ in some properties. This substitution occurs at a position that is not conserved. In silico analysis is inconsistent in its predictions as to whether or not the variant is damaging to the protein structure/function. We interpret D366N as a variant of uncertain significance.

NM_003079.5(SMARCE1):c.1096G>A (p.Asp366Asn)

Gene: SMARCE1 (SWI/SNF related, matrix associated, actin dependent regulator of chromatin, subfamily e, member 1; minus strand). Cytogenetic location: 17q21.2.
Variant type: single nucleotide variant.
Coding change: c.1096G>A on transcript NM_003079.5 (MANE Select); coding-DNA position 1096, G replaced by A.
Protein change: p.Asp366Asn; replaces aspartic acid 366 with asparagine.
Molecular consequence: missense variant.
Genome position (GRCh38, 1-based): chr17:40,628,925, C>T on the plus strand (G>A on the coding strand, the complement: SMARCE1 is on the minus strand). VCF-style: chr17-40628925-C-T. GRCh37 (hg19) VCF-style: chr17-38785177-C-T.
Other names: short protein forms D366N.
Identifiers: ClinVar variation 450460 (VCV000450460.2), dbSNP rs1270890372, ClinGen allele CA399361457.